The following is an entry in ClinVar:

ClinVar aggregate classification (germline): Conflicting classifications of pathogenicity. Review status: criteria provided, conflicting classifications (1 of 4 stars). 2 submissions from 2 submitters: Uncertain significance (1); Likely benign (1). Last evaluated 2025-03-29.

Conditions:
Hereditary cancer-predisposing syndrome. Also called: Neoplastic Syndromes, Hereditary; Tumor predisposition; Hereditary Cancer Syndrome; Hereditary neoplastic syndrome. Identifiers: Orphanet 140162, MedGen C0027672, MeSH D009386, MONDO:0015356.

Submissions (2):

Ambry Genetics
Classification: Uncertain significance for Hereditary cancer-predisposing syndrome. Last evaluated: 2025-03-29. Review status: criteria provided, single submitter. Criteria: Ambry Variant Classification Scheme 2023. Collection method: clinical testing. Allele origin: germline.
Comment: The p.V2179I variant (also known as c.6535G>A), located in coding exon 10 of the BRCA2 gene, results from a G to A substitution at nucleotide position 6535. The valine at codon 2179 is replaced by isoleucine, an amino acid with highly similar properties. This amino acid position is poorly conserved in available vertebrate species. In addition, this alteration is predicted to be tolerated by in silico analysis. Since supporting evidence is limited at this time, the clinical significance of this alteration remains unclear.

University of Washington Department of Laboratory Medicine, University of Washington
Classification: Likely benign for Hereditary cancer-predisposing syndrome. Last evaluated: 2023-03-23. Review status: criteria provided, single submitter. Criteria: Dines et al. (Genet Med. 2020). Collection method: curation. Allele origin: germline.
Comment: Missense variant in a coldspot region where missense variants are very unlikely to be pathogenic (PMID:31911673).

BRCA2 exon 11 coldspot. Reclassification based on statistical prior probability.

NM_000059.4(BRCA2):c.6535G>A (p.Val2179Ile)

Gene: BRCA2 (BRCA2 DNA repair associated; plus strand). Cytogenetic location: 13q13.1.
Variant type: single nucleotide variant.
Coding change: c.6535G>A on transcript NM_000059.4 (MANE Select); coding-DNA position 6535, G replaced by A.
Protein change: p.Val2179Ile; replaces valine 2179 with isoleucine.
Molecular consequence: missense variant.
Genome position (GRCh38, 1-based): chr13:32,340,890, G>A. VCF-style: chr13-32340890-G-A. GRCh37 (hg19) VCF-style: chr13-32915027-G-A.
Other names: c.6535G>A, p.Val2179Ile (NM_001406719.1, NM_001406720.1); short protein forms V2179I.
Identifiers: ClinVar variation 1754084 (VCV001754084.5), dbSNP rs876658443, ClinGen allele CA387789694.